The following is an entry in ClinVar:

ClinVar aggregate classification (germline): Conflicting classifications of pathogenicity. Review status: criteria provided, conflicting classifications (1 of 4 stars). 3 submissions from 3 submitters: Uncertain significance (2); Benign (1). Last evaluated 2025-09-09.

Conditions:
Hereditary cancer-predisposing syndrome. Also called: Neoplastic Syndromes, Hereditary; Tumor predisposition; Hereditary neoplastic syndrome; Hereditary Cancer Syndrome. Identifiers: Orphanet 140162, MedGen C0027672, MeSH D009386, MONDO:0015356.
Familial adenomatous polyposis 2. Also called: COLORECTAL ADENOMATOUS POLYPOSIS, AUTOSOMAL RECESSIVE; ADENOMAS, MULTIPLE COLORECTAL, AUTOSOMAL RECESSIVE; MUTYH-associated polyposis; FAP type 2; MUTYH-related attenuated familial adenomatous polyposis; Adenomas, multiple colorectal. Identifiers: Orphanet 220460, Orphanet 247798, MedGen C3272841, MONDO:0012041, OMIM 608456.

Submissions (3):

Ambry Genetics
Classification: Benign for Hereditary cancer-predisposing syndrome. Last evaluated: 2025-09-09. Review status: criteria provided, single submitter. Criteria: Ambry Variant Classification Scheme 2023. Collection method: clinical testing. Allele origin: germline.

Labcorp Genetics (formerly Invitae), Labcorp
Classification: Uncertain significance for Familial adenomatous polyposis 2. Last evaluated: 2022-06-28. Review status: criteria provided, single submitter. Criteria: Invitae Variant Classification Sherloc (09022015). Collection method: clinical testing. Allele origin: germline.
Comment: ClinVar contains an entry for this variant (Variation ID: 464708). Algorithms developed to predict the effect of missense changes on protein structure and function (SIFT, PolyPhen-2, Align-GVGD) all suggest that this variant is likely to be tolerated. In summary, the available evidence is currently insufficient to determine the role of this variant in disease. Therefore, it has been classified as a Variant of Uncertain Significance. This variant is also known as 199GT. This sequence change replaces valine, which is neutral and non-polar, with phenylalanine, which is neutral and non-polar, at codon 81 of the MUTYH protein (p.Val81Phe). This variant is not present in population databases (gnomAD no frequency). This missense change has been observed in individual(s) with Tubulovillous adenoma (PMID: 16890597).

Color Diagnostics, LLC DBA Color Health
Classification: Uncertain significance for Hereditary cancer-predisposing syndrome. Last evaluated: 2019-06-30. Review status: criteria provided, single submitter. Criteria: ACMG Guidelines, 2015. Collection method: clinical testing. Allele origin: germline.

Literature cited by the submitters: PubMed 16890597 (cited by Ambry Genetics and Labcorp Genetics (formerly Invitae), Labcorp).

NM_001048174.2(MUTYH):c.157G>T (p.Val53Phe)

Gene: MUTYH (mutY DNA glycosylase; minus strand). Cytogenetic location: 1p34.1.
Variant type: single nucleotide variant.
Coding change: c.157G>T on transcript NM_001048174.2 (MANE Select); coding-DNA position 157, G replaced by T.
Protein change: p.Val53Phe; replaces valine 53 with phenylalanine.
Molecular consequence: missense variant. On other transcripts: 5 prime UTR variant (1), non-coding transcript variant (2), intron variant (3).
Genome position (GRCh38, 1-based): chr1:45,333,520, C>A on the plus strand (G>T on the coding strand, the complement: MUTYH is on the minus strand). VCF-style: chr1-45333520-C-A. GRCh37 (hg19) VCF-style: chr1-45799192-C-A.
Other names: c.157G>T, p.Val53Phe (NM_001048171.2, NM_001048173.2, NM_001293195.2); c.160G>T, p.Val54Phe (NM_001048172.2); c.241G>T, p.Val81Phe (NM_001128425.2); c.202G>T, p.Val68Phe (NM_001293190.2); c.190G>T, p.Val64Phe (NM_001293191.2); c.-115G>T (NM_001350650.2); c.232G>T, p.Val78Phe (NM_012222.3); c.-92-23G>T (NM_001350651.2); and 1 more; short protein forms V81F, V53F, V64F, V68F, V54F, V78F.
Identifiers: ClinVar variation 464708 (VCV000464708.14), dbSNP rs946755892, ClinGen allele CA340136554.
Genomic context (GRCh38, chr1:45,333,520, plus strand): 5'-GCAGGCTCCCTCGGAAGGCTGTGACTTCAGCTACGTCTCTGAATAGATGGTATGAGGAGA[C>A]AGAGGCCTGCAATACCACCTCTTCCGGCTGCCTGGCCAGGCCTGCTGGGGCCCCAGGACA-3'
Protein context (NP_001041639.1, residues 43-63): QPEEVVLQAS[Val53Phe]SSYHLFRDVA